The following is an entry in ClinVar:

ClinVar aggregate classification (germline): Uncertain significance (1 of 4 stars; one submission).

Conditions:
Inborn genetic diseases. Identifiers: MedGen C0950123, MeSH D030342.

Submission:

Ambry Genetics
Classification: Uncertain significance for Inborn genetic diseases. Last evaluated: 2026-04-03. Review status: criteria provided, single submitter. Criteria: Ambry Variant Classification Scheme 2023. Collection method: clinical testing. Allele origin: germline.
Comment: The p.P320L variant (also known as c.959C>T), located in coding exon 8 of the PAX5 gene, results from a C to T substitution at nucleotide position 959. The proline at codon 320 is replaced by leucine, an amino acid with similar properties. This amino acid position is conserved. In addition, the in silico prediction for this alteration is inconclusive. Based on the available evidence, the clinical significance of this variant remains unclear.

NM_016734.3(PAX5):c.959C>T (p.Pro320Leu)

Gene: PAX5 (paired box 5; minus strand). Cytogenetic location: 9p13.2.
Variant type: single nucleotide variant.
Coding change: c.959C>T on transcript NM_016734.3 (MANE Select); coding-DNA position 959, C replaced by T.
Protein change: p.Pro320Leu; replaces proline 320 with leucine.
Molecular consequence: missense variant. On other transcripts: non-coding transcript variant (2), intron variant (6).
Genome position (GRCh38, 1-based): chr9:36,882,057, G>A on the plus strand (C>T on the coding strand, the complement: PAX5 is on the minus strand). VCF-style: chr9-36882057-G-A. GRCh37 (hg19) VCF-style: chr9-36882054-G-A.
Other names: c.959C>T, p.Pro320Leu (NM_001280548.2); c.830C>T, p.Pro277Leu (NM_001280553.2, NM_001280554.2); c.635C>T, p.Pro212Leu (NM_001280556.2); c.586+41298C>T (NM_001280551.2); c.713-35128C>T (NM_001280555.2); c.781-41421C>T (NM_001280550.2); c.781-35128C>T (NM_001280549.2); c.910+41298C>T (NM_001280552.2); and 1 more; short protein forms P212L, P277L, P320L.
Identifiers: ClinVar variation 4861599 (VCV004861599.1).